The following is an entry in ClinVar:

NM_017777.4(MKS1):c.668A>G (p.His223Arg)

Gene: MKS1 (MKS transition zone complex subunit 1; minus strand). Cytogenetic location: 17q22.
Variant type: single nucleotide variant.
Coding change: c.668A>G on transcript NM_017777.4 (MANE Select); coding-DNA position 668, A replaced by G.
Protein change: p.His223Arg; replaces histidine 223 with arginine.
Molecular consequence: missense variant.
Genome position (GRCh38, 1-based): chr17:58,213,846, T>C on the plus strand (A>G on the coding strand, the complement: MKS1 is on the minus strand). VCF-style: chr17-58213846-T-C. GRCh37 (hg19) VCF-style: chr17-56291207-T-C.
Other names: c.59A>G, p.His20Arg (NM_001321268.2); c.668A>G, p.His223Arg (NM_001321269.2, NM_001330397.2, NM_001411113.1); short protein forms H20R, H223R.
Identifiers: ClinVar variation 2149000 (VCV002149000.1), dbSNP rs1969028986, ClinGen allele CA400326747.

ClinVar aggregate classification (germline): Uncertain significance (1 of 4 stars; one submission).

Conditions:
Joubert syndrome. Also called: CEREBELLOPARENCHYMAL DISORDER IV; JOUBERT-BOLTSHAUSER SYNDROME; Familial aplasia of the vermis. Identifiers: Orphanet 475, MedGen C5979921, MONDO:0018772.
Meckel-Gruber syndrome. Also called: DYSENCEPHALIA SPLANCHNOCYSTICA; GRUBER SYNDROME; Dysencephalia splachnocystica. Identifiers: Orphanet 564, MedGen C0265215, MONDO:0018921.

Allele frequency attached by ClinVar (database versions not stated): gnomAD exomes 0.00001.

Submission:

Labcorp Genetics (formerly Invitae), Labcorp
Classification: Uncertain significance for Joubert syndrome; Meckel-Gruber syndrome. Last evaluated: 2022-04-23. Review status: criteria provided, single submitter. Criteria: Invitae Variant Classification Sherloc (09022015). Collection method: clinical testing. Allele origin: germline.
Comment: This sequence change replaces histidine, which is basic and polar, with arginine, which is basic and polar, at codon 223 of the MKS1 protein (p.His223Arg). This variant is not present in population databases (gnomAD no frequency). This variant has not been reported in the literature in individuals affected with MKS1-related conditions. Advanced modeling of protein sequence and biophysical properties (such as structural, functional, and spatial information, amino acid conservation, physicochemical variation, residue mobility, and thermodynamic stability) performed at Invitae indicates that this missense variant is not expected to disrupt MKS1 protein function. In summary, the available evidence is currently insufficient to determine the role of this variant in disease. Therefore, it has been classified as a Variant of Uncertain Significance.